The following is an entry in ClinVar:

ClinVar aggregate classification (germline): Likely benign (1 of 4 stars; one submission).

Conditions:
TRIO-related disorder. Also called: TRIO-related condition; TRIO-related disorders.

gnomAD v4.1: 182 of 1,614,242 alleles (0.011%); highest among the groups gnomAD compares: South Asian, 0.19%; no homozygotes.

Submission:

PreventionGenetics, part of Exact Sciences
Classification: Likely benign for TRIO-related condition. Last evaluated: 2025-06-18. Review status: criteria provided, single submitter. Criteria: ACMG Guidelines, 2015. Collection method: clinical testing. Allele origin: germline.
Comment: This variant is classified as likely benign based on ACMG/AMP sequence variant interpretation guidelines (Richards et al. 2015 PMID: 25741868, with internal and published modifications).

NM_007118.4(TRIO):c.8174C>T (p.Thr2725Ile)

Genes: TRIO (trio Rho guanine nucleotide exchange factor; plus strand), LOC126807323 (CDK7 strongly-dependent group 2 enhancer GRCh37_chr5:14497716-14498915; plus strand). Cytogenetic location: 5p15.2.
Variant type: single nucleotide variant.
Coding change: c.8174C>T on transcript NM_007118.4 (MANE Select); coding-DNA position 8174, C replaced by T.
Protein change: p.Thr2725Ile; replaces threonine 2725 with isoleucine.
Molecular consequence: missense variant. On other transcripts: non-coding transcript variant (1).
Genome position (GRCh38, 1-based): chr5:14,498,215, C>T. VCF-style: chr5-14498215-C-T. GRCh37 (hg19) VCF-style: chr5-14498324-C-T.
Other names: short protein forms T2725I.
Identifiers: ClinVar variation 4980213 (VCV004980213.1).